The following is an entry in ClinVar:

NM_020791.4(TAOK1):c.350A>G (p.Glu117Gly)

Gene: TAOK1 (TAO kinase 1; plus strand). Cytogenetic location: 17q11.2.
Variant type: single nucleotide variant.
Coding change: c.350A>G on transcript NM_020791.4 (MANE Select); coding-DNA position 350, A replaced by G.
Protein change: p.Glu117Gly; replaces glutamic acid 117 with glycine.
Molecular consequence: missense variant.
Genome position (GRCh38, 1-based): chr17:29,477,704, A>G. VCF-style: chr17-29477704-A-G. GRCh37 (hg19) VCF-style: chr17-27804722-A-G.
Other names: c.350A>G, p.Glu117Gly (NM_025142.1); short protein forms E117G.
Identifiers: ClinVar variation 3173782 (VCV003173782.1), dbSNP rs2508199498, ClinGen allele CA399189199.

ClinVar aggregate classification (germline): Uncertain significance (1 of 4 stars; one submission).

Conditions:
Inborn genetic diseases. Identifiers: MedGen C0950123, MeSH D030342.

Submission:

Ambry Genetics
Classification: Uncertain significance for Inborn genetic diseases. Last evaluated: 2023-10-11. Review status: criteria provided, single submitter. Criteria: Ambry Variant Classification Scheme 2023. Collection method: clinical testing. Allele origin: germline.
Comment: The c.350A>G (p.E117G) alteration is located in exon 5 (coding exon 4) of the TAOK1 gene. This alteration results from a A to G substitution at nucleotide position 350, causing the glutamic acid (E) at amino acid position 117 to be replaced by a glycine (G). This variant was not reported in population-based cohorts in the Genome Aggregation Database (gnomAD). This amino acid position is highly conserved in available vertebrate species. The in silico prediction for this alteration is inconclusive. Based on insufficient or conflicting evidence, the clinical significance of this alteration remains unclear.